The following is an entry in ClinVar:

NM_006231.4(POLE):c.38C>A (p.Pro13Gln)

Genes: POLE (DNA polymerase epsilon, catalytic subunit; minus strand), LOC130009266 (ATAC-STARR-seq lymphoblastoid silent region 5123; plus strand). Cytogenetic location: 12q24.33.
Variant type: single nucleotide variant.
Coding change: c.38C>A on transcript NM_006231.4 (MANE Select); coding-DNA position 38, C replaced by A.
Protein change: p.Pro13Gln; replaces proline 13 with glutamine.
Molecular consequence: missense variant.
Genome position (GRCh38, 1-based): chr12:132,687,278, G>T on the plus strand (C>A on the coding strand, the complement: POLE is on the minus strand). VCF-style: chr12-132687278-G-T. GRCh37 (hg19) VCF-style: chr12-133263864-G-T.
Other names: short protein forms P13Q.
Identifiers: ClinVar variation 1022827 (VCV001022827.9), dbSNP rs878854865, ClinGen allele CA387373400.

ClinVar aggregate classification (germline): Uncertain significance (1 of 4 stars; one submission).

Submission:

Labcorp Genetics (formerly Invitae), Labcorp
Classification: Uncertain significance. Last evaluated: 2020-10-04. Review status: criteria provided, single submitter. Criteria: Invitae Variant Classification Sherloc (09022015). Collection method: clinical testing. Allele origin: germline.
Comment: In summary, the available evidence is currently insufficient to determine the role of this variant in disease. Therefore, it has been classified as a Variant of Uncertain Significance. Algorithms developed to predict the effect of missense changes on protein structure and function (SIFT, PolyPhen-2, Align-GVGD) all suggest that this variant is likely to be tolerated, but these predictions have not been confirmed by published functional studies and their clinical significance is uncertain. This variant has not been reported in the literature in individuals with POLE-related conditions. The frequency data for this variant in the population databases is considered unreliable, as metrics indicate insufficient coverage at this position in the ExAC database. This sequence change replaces proline with glutamine at codon 13 of the POLE protein (p.Pro13Gln). The proline residue is weakly conserved and there is a moderate physicochemical difference between proline and glutamine.